The following is an entry in ClinVar:

NM_001256071.3(RNF213):c.12825C>T (p.His4275=)

Genes: RNF213 (ring finger protein 213; plus strand), RNF213-AS1 (RNF213 antisense RNA 1; minus strand). Cytogenetic location: 17q25.3.
Variant type: single nucleotide variant.
Coding change: c.12825C>T on transcript NM_001256071.3 (MANE Select); coding-DNA position 12825, C replaced by T.
Protein change: p.His4275=; no amino-acid change (histidine 4275 retained).
Molecular consequence: synonymous variant.
Genome position (GRCh38, 1-based): chr17:80,373,048, C>T. VCF-style: chr17-80373048-C-T. GRCh37 (hg19) VCF-style: chr17-78346848-C-T.
Other names: c.12972C>T, p.His4324= (NM_001410195.1, NM_020914.5); c.12825C>T (NM_001256071.2).
Identifiers: ClinVar variation 2046884 (VCV002046884.5), dbSNP rs191388106, ClinGen allele CA8822312.

ClinVar aggregate classification (germline): Benign. Review status: criteria provided, multiple submitters, no conflicts (2 of 4 stars). 2 submissions from 2 submitters: Benign (2). Last evaluated 2025-10-07.

Conditions:
RNF213-related disorder. Also called: RNF213-related condition.

Allele frequency attached by ClinVar (database versions not stated): gnomAD exomes 0.00036; gnomAD 0.00070; TOPMed 0.00072; ExAC 0.00148; 1000 Genomes Project 30x 0.00281; 1000 Genomes Project 0.00300.
gnomAD v4.1: 645 of 1,614,050 alleles (0.04%); highest among the groups gnomAD compares: East Asian, 1.3%; 6 homozygotes.

Submissions (2):

PreventionGenetics, part of Exact Sciences
Classification: Benign for RNF213-related condition. Last evaluated: 2025-10-07. Review status: criteria provided, single submitter. Criteria: ACMG Guidelines, 2015. Collection method: clinical testing. Allele origin: germline.
Comment: This variant is classified as benign based on ACMG/AMP sequence variant interpretation guidelines (Richards et al. 2015 PMID: 25741868, with internal and published modifications).

Labcorp Genetics (formerly Invitae), Labcorp
Classification: Benign. Last evaluated: 2025-07-20. Review status: criteria provided, single submitter. Criteria: Invitae Variant Classification Sherloc (09022015). Collection method: clinical testing. Allele origin: germline.